The following is an entry in ClinVar:

ClinVar aggregate classification (germline): Benign. Review status: criteria provided, single submitter (1 of 4 stars). 2 submissions from 2 submitters: Benign (1). 1 of the submissions does not count toward it. Last evaluated 2026-01-10.

Conditions:
ANXA11-related disorder. Also called: ANXA11-related condition.

Allele frequency attached by ClinVar (database versions not stated): ESP Exome Variant Server 0.00008; gnomAD 0.00012 and 0.00020; gnomAD exomes 0.00013 and 0.00034; ExAC 0.00028; 1000 Genomes Project 30x 0.00172; 1000 Genomes Project 0.00180.
gnomAD v4.1: 236 of 1,612,232 alleles (0.015%); highest among the groups gnomAD compares: East Asian, 0.29%; 1 homozygote.

Submissions (2):

Labcorp Genetics (formerly Invitae), Labcorp
Classification: Benign. Last evaluated: 2026-01-10. Review status: criteria provided, single submitter. Criteria: Invitae Variant Classification Sherloc (09022015). Collection method: clinical testing. Allele origin: germline.

PreventionGenetics, part of Exact Sciences
Classification: Likely benign for ANXA11-related condition. Last evaluated: 2021-10-01. Review status: no assertion criteria provided. Collection method: clinical testing. Allele origin: germline. Not counted in ClinVar's aggregate classification.
Comment: This variant is classified as likely benign based on ACMG/AMP sequence variant interpretation guidelines (Richards et al. 2015 PMID: 25741868, with internal and published modifications).

NM_145868.2(ANXA11):c.1156C>T (p.Arg386Trp)

Gene: ANXA11 (annexin A11; minus strand). Cytogenetic location: 10q22.3.
Variant type: single nucleotide variant.
Coding change: c.1156C>T on transcript NM_145868.2 (MANE Select); coding-DNA position 1156, C replaced by T.
Protein change: p.Arg386Trp; replaces arginine 386 with tryptophan.
Molecular consequence: missense variant.
Genome position (GRCh38, 1-based): chr10:80,161,959, G>A on the plus strand (C>T on the coding strand, the complement: ANXA11 is on the minus strand). VCF-style: chr10-80161959-G-A. GRCh37 (hg19) VCF-style: chr10-81921715-G-A.
Other names: c.1156C>T, p.Arg386Trp (NM_001157.3, NM_001278407.2, NM_001278408.2 and 1 more transcripts); c.1057C>T, p.Arg353Trp (NM_001278409.2); c.1156C>T (NM_145869.1); short protein forms R353W, R386W.
Identifiers: ClinVar variation 1615454 (VCV001615454.10), dbSNP rs146222704, ClinGen allele CA5575900.
Genomic context (GRCh38, chr10:80,161,959, plus strand): 5'-TCTAACTGGCCTCTGAGGGACCCCAGCCTGCCTTACCTGCTACCAGGTGGGCCCGGCTCC[G>A]GGAGCACAGAACCGCATTGAACTTGGACTCGTCTGTTCCCAGGCGGTTCTCCCCGGCCGC-3'
Protein context (NP_665875.1, residues 376-396): ESKFNAVLCS[Arg386Trp]SRAHLVAVFN